The following is an entry in ClinVar:

ClinVar aggregate classification (germline): Uncertain significance. Review status: criteria provided, multiple submitters, no conflicts (2 of 4 stars). 2 submissions from 2 submitters: Uncertain significance (2). Last evaluated 2024-08-17.

Conditions:
Hereditary cancer-predisposing syndrome. Also called: Hereditary Cancer Syndrome; Hereditary neoplastic syndrome; Neoplastic Syndromes, Hereditary; Tumor predisposition. Identifiers: Orphanet 140162, MedGen C0027672, MeSH D009386, MONDO:0015356.
Retinoblastoma (RB1). Also called: RETINOBLASTOMA, SOMATIC. Identifiers: Orphanet 790, MedGen C0035335, MeSH D012175, MONDO:0008380, OMIM 180200, HP:0009919. Disease mechanism: loss of function. Inheritance: Both sporadic and heritable forms are tested..

Allele frequency attached by ClinVar (database versions not stated): gnomAD exomes below 0.00001.
gnomAD v4.1: 2 of 1,609,750 alleles (0.00012%); highest among the groups gnomAD compares: Non-Finnish European, 0.00017%; no homozygotes.

Submissions (2):

Labcorp Genetics (formerly Invitae), Labcorp
Classification: Uncertain significance for Retinoblastoma. Last evaluated: 2024-08-17. Review status: criteria provided, single submitter. Criteria: Invitae Variant Classification Sherloc (09022015). Collection method: clinical testing. Allele origin: germline.
Comment: This sequence change replaces phenylalanine, which is neutral and non-polar, with leucine, which is neutral and non-polar, at codon 117 of the RB1 protein (p.Phe117Leu). This variant is not present in population databases (gnomAD no frequency). This variant has not been reported in the literature in individuals affected with RB1-related conditions. ClinVar contains an entry for this variant (Variation ID: 1925851). Invitae Evidence Modeling of protein sequence and biophysical properties (such as structural, functional, and spatial information, amino acid conservation, physicochemical variation, residue mobility, and thermodynamic stability) indicates that this missense variant is not expected to disrupt RB1 protein function with a negative predictive value of 80%. In summary, the available evidence is currently insufficient to determine the role of this variant in disease. Therefore, it has been classified as a Variant of Uncertain Significance.

Ambry Genetics
Classification: Uncertain significance for Hereditary cancer-predisposing syndrome. Last evaluated: 2024-06-04. Review status: criteria provided, single submitter. Criteria: Ambry Variant Classification Scheme 2023. Collection method: clinical testing. Allele origin: germline.
Comment: The p.F117L variant (also known as c.349T>C), located in coding exon 3 of the RB1 gene, results from a T to C substitution at nucleotide position 349. The phenylalanine at codon 117 is replaced by leucine, an amino acid with highly similar properties. This amino acid position is highly conserved in available vertebrate species. In addition, the in silico prediction for this alteration is inconclusive. Based on the available evidence, the clinical significance of this variant remains unclear.

NM_000321.3(RB1):c.349T>C (p.Phe117Leu)

Gene: RB1 (RB transcriptional corepressor 1; plus strand). Cytogenetic location: 13q14.2.
Variant type: single nucleotide variant.
Coding change: c.349T>C on transcript NM_000321.3 (MANE Select); coding-DNA position 349, T replaced by C.
Protein change: p.Phe117Leu; replaces phenylalanine 117 with leucine.
Molecular consequence: missense variant.
Genome position (GRCh38, 1-based): chr13:48,342,683, T>C. VCF-style: chr13-48342683-T-C. GRCh37 (hg19) VCF-style: chr13-48916819-T-C.
Other names: c.349T>C, p.Phe117Leu (NM_001407165.1, NM_001407166.1); short protein forms F117L.
Identifiers: ClinVar variation 1925851 (VCV001925851.6), dbSNP rs2542156190, ClinGen allele CA388252501.